The following is an entry in ClinVar:

NM_000081.4(LYST):c.7070C>G (p.Ala2357Gly)

Gene: LYST (lysosomal trafficking regulator; minus strand). Cytogenetic location: 1q42.3.
Variant type: single nucleotide variant.
Coding change: c.7070C>G on transcript NM_000081.4 (MANE Select); coding-DNA position 7070, C replaced by G.
Protein change: p.Ala2357Gly; replaces alanine 2357 with glycine.
Molecular consequence: missense variant.
Genome position (GRCh38, 1-based): chr1:235,755,637, G>C on the plus strand (C>G on the coding strand, the complement: LYST is on the minus strand). VCF-style: chr1-235755637-G-C. GRCh37 (hg19) VCF-style: chr1-235918937-G-C.
Other names: c.7070C>G, p.Ala2357Gly (NM_001301365.1); short protein forms A2357G.
Identifiers: ClinVar variation 597094 (VCV000597094.9), dbSNP rs199576020, ClinGen allele CA1466223.
Genomic context (GRCh38, chr1:235,755,637, plus strand): 5'-GAAAATCCACGATTCTTCAGAAATTTATCTTTTTGTTCCTTAGATGCTCTAGCAAAATAT[G>C]CATCTAATAGCTAAACAAAAAATTTAAGTCAATTTAGATAATGCATTAAAATTAAATATA-3'
Protein context (NP_000072.2, residues 2347-2367): IQQGVIKLLD[Ala2357Gly]YFARASKEQK

ClinVar aggregate classification (germline): Uncertain significance. Review status: criteria provided, multiple submitters, no conflicts (2 of 4 stars). 2 submissions from 2 submitters: Uncertain significance (2). Last evaluated 2022-07-01.

Conditions:
Chédiak-Higashi syndrome (CHS). Also called: Chediak-Higashi Syndrome. Identifiers: Orphanet 167, MedGen C0007965, MONDO:0008963, OMIM 214500.

Allele frequency attached by ClinVar (database versions not stated): 1000 Genomes Project below 0.00001; TOPMed 0.00002; ExAC 0.00004; 1000 Genomes Project 30x 0.00047.
gnomAD v4.1: 9 of 1,598,578 alleles (0.00056%); highest among the groups gnomAD compares: Admixed American, 0.013%; no homozygotes.

Submissions (2):

Labcorp Genetics (formerly Invitae), Labcorp
Classification: Uncertain significance for Chédiak-Higashi syndrome. Last evaluated: 2022-07-01. Review status: criteria provided, single submitter. Criteria: Invitae Variant Classification Sherloc (09022015). Collection method: clinical testing. Allele origin: germline.
Comment: This sequence change replaces alanine, which is neutral and non-polar, with glycine, which is neutral and non-polar, at codon 2357 of the LYST protein (p.Ala2357Gly). This variant is present in population databases (rs199576020, gnomAD 0.02%). This variant has not been reported in the literature in individuals affected with LYST-related conditions. ClinVar contains an entry for this variant (Variation ID: 597094). Algorithms developed to predict the effect of missense changes on protein structure and function are either unavailable or do not agree on the potential impact of this missense change (SIFT: "Deleterious"; PolyPhen-2: "Possibly Damaging"; Align-GVGD: "Class C0"). In summary, the available evidence is currently insufficient to determine the role of this variant in disease. Therefore, it has been classified as a Variant of Uncertain Significance.

Eurofins Ntd Llc (ga)
Classification: Uncertain significance. Last evaluated: 2018-05-03. Review status: criteria provided, single submitter. Criteria: EGL ClinVar v180209 classification definitions. Collection method: clinical testing. Allele origin: germline. Observed: 1 variant allele, 1 homozygote.